The following is an entry in ClinVar:

NM_052947.4(ALPK2):c.710C>T (p.Ser237Phe)

Genes: ALPK2 (alpha kinase 2; minus strand), LOC114803473 (ALPK2 eExon liver enhancer; plus strand). Cytogenetic location: 18q21.31.
Variant type: single nucleotide variant.
Coding change: c.710C>T on transcript NM_052947.4 (MANE Select); coding-DNA position 710, C replaced by T.
Protein change: p.Ser237Phe; replaces serine 237 with phenylalanine.
Molecular consequence: missense variant.
Genome position (GRCh38, 1-based): chr18:58,580,066, G>A on the plus strand (C>T on the coding strand, the complement: ALPK2 is on the minus strand). VCF-style: chr18-58580066-G-A. GRCh37 (hg19) VCF-style: chr18-56247298-G-A.
Other names: short protein forms S237F.
Identifiers: ClinVar variation 1757208 (VCV001757208.2), dbSNP rs2051948968, ClinGen allele CA402567378.
Genomic context (GRCh38, chr18:58,580,066, plus strand): 5'-AAGCCTTCATCATGAGGACCATCATTGTTCAGGTCACCATCCGTGAACTTTGATGCCATG[G>A]AATGCACTGTCTTGTGGCAACATCTGTCTTGTTTTTCATAAATATGACTTGAATTAAGAA-3'
Protein context (NP_443179.3, residues 227-247): QDRCCHKTVH[Ser237Phe]MASKFTDGDL

ClinVar aggregate classification (germline): Uncertain significance (1 of 4 stars; one submission).

Allele frequency attached by ClinVar (database versions not stated): gnomAD exomes below 0.00001; gnomAD 0.00001.

Submission:

Ambry Genetics
Classification: Uncertain significance. Last evaluated: 2022-01-11. Review status: criteria provided, single submitter. Criteria: Ambry Variant Classification Scheme 2023. Collection method: clinical testing. Allele origin: germline.
Comment: The p.S237F variant (also known as c.710C>T), located in coding exon 3 of the ALPK2 gene, results from a C to T substitution at nucleotide position 710. The serine at codon 237 is replaced by phenylalanine, an amino acid with highly dissimilar properties. This amino acid position is conserved. In addition, this alteration is predicted to be tolerated by in silico analysis. Since supporting evidence is limited at this time, the clinical significance of this alteration remains unclear.